The following is an entry in ClinVar:

NM_000322.4:c.+13C>T

Gene: PRPH2 (peripherin 2; minus strand). Cytogenetic location: 6p21.1.
Variant type: single nucleotide variant.
Identifiers: ClinVar variation 138907 (VCV000138907.1).

ClinVar aggregate classification (germline): Benign (1 of 4 stars; one submission).

Submission:

GeneDx
Classification: Benign. Last evaluated: 2011-06-28. Review status: criteria provided, single submitter. Criteria: GeneDx Variant Classification (06012015). Collection method: clinical testing. Allele origin: germline.
Comment: The variant is found in STARGARDT panel(s).